The following is an entry in ClinVar:

NC_000021.9:g.(?_44297636)_(44297747_?)dup

Gene: AIRE (autoimmune regulator; plus strand). Cytogenetic location: 21q22.3.
Variant type: Duplication.
Identifiers: ClinVar variation 830570 (VCV000830570.1).

ClinVar aggregate classification (germline): Uncertain significance (1 of 4 stars; one submission).

Conditions:
Polyglandular autoimmune syndrome, type 1 (APS1). Also called: Autoimmune polyendocrinopathy syndrome , type I, with or without reversible metaphyseal dysplasia; Whitaker syndrome; Autoimmune polyendocrine syndrome type 1; HYPOADRENOCORTICISM WITH HYPOPARATHYROIDISM AND SUPERFICIAL MONILIASIS; PGA I; Autoimmune polyendocrinopathy syndrome, type I. Identifiers: Orphanet 3453, MedGen C0085859, MONDO:0009411, OMIM 240300.

Submission:

Labcorp Genetics (formerly Invitae), Labcorp
Classification: Uncertain significance for Polyglandular autoimmune syndrome, type 1. Last evaluated: 2019-12-30. Review status: criteria provided, single submitter. Criteria: Invitae Variant Classification Sherloc (09022015). Collection method: clinical testing. Allele origin: germline.
Comment: This variant results in a copy number gain of the genomic region encompassing exons 14 of the AIRE gene. The 5' boundary is likely confined to intron 13. The 3' end of this event is unknown as it extends beyond the assayed region for this gene and therefore may encompass additional genes. As the precise location of this event is unknown, it may be in tandem or it may be located elsewhere in the genome. This variant has not been reported in the literature in individuals with AIRE-related conditions. In summary, the available evidence is currently insufficient to determine the role of this variant in disease. Therefore, it has been classified as a Variant of Uncertain Significance.